The following is an entry in ClinVar:

ClinVar aggregate classification (germline): Uncertain significance (1 of 4 stars; one submission).

Conditions:
Bardet-Biedl syndrome (BBS). Identifiers: Orphanet 110, MedGen C0752166, MONDO:0015229.

Submission:

Labcorp Genetics (formerly Invitae), Labcorp
Classification: Uncertain significance for Bardet-Biedl syndrome. Last evaluated: 2022-03-03. Review status: criteria provided, single submitter. Criteria: Invitae Variant Classification Sherloc (09022015). Collection method: clinical testing. Allele origin: germline.
Comment: This sequence change replaces tyrosine, which is neutral and polar, with histidine, which is basic and polar, at codon 363 of the BBS7 protein (p.Tyr363His). In summary, the available evidence is currently insufficient to determine the role of this variant in disease. Therefore, it has been classified as a Variant of Uncertain Significance. Algorithms developed to predict the effect of missense changes on protein structure and function are either unavailable or do not agree on the potential impact of this missense change (SIFT: "Deleterious"; PolyPhen-2: "Benign"; Align-GVGD: "Class C65"). This variant has not been reported in the literature in individuals affected with BBS7-related conditions. This variant is not present in population databases (gnomAD no frequency).

NM_176824.3(BBS7):c.1087T>C (p.Tyr363His)

Gene: BBS7 (Bardet-Biedl syndrome 7; minus strand). Cytogenetic location: 4q27.
Variant type: single nucleotide variant.
Coding change: c.1087T>C on transcript NM_176824.3 (MANE Select); coding-DNA position 1087, T replaced by C.
Protein change: p.Tyr363His; replaces tyrosine 363 with histidine.
Molecular consequence: missense variant.
Genome position (GRCh38, 1-based): chr4:121,845,647, A>G on the plus strand (T>C on the coding strand, the complement: BBS7 is on the minus strand). VCF-style: chr4-121845647-A-G. GRCh37 (hg19) VCF-style: chr4-122766802-A-G.
Other names: c.1087T>C, p.Tyr363His (NM_018190.4); short protein forms Y363H.
Identifiers: ClinVar variation 1483724 (VCV001483724.8), dbSNP rs2149068941, ClinGen allele CA358062541.
Genomic context (GRCh38, chr4:121,845,647, plus strand): 5'-CATTTATACCAAAGGAAGGTACTGCTGATTTTGCTTTGCTTGATTGAGAAGACTGTTGAT[A>G]ATTCTCTCTTTCCTGCAATACCTTATACTGCAAATGTTCCAACTCATTCCTGGAGAAAAA-3'
Protein context (NP_789794.1, residues 353-373): QYKVLQEREN[Tyr363His]QQSSQSSKAK